The following is an entry in ClinVar:

NM_013267.4(GLS2):c.929+3A>G

Genes: GLS2 (glutaminase 2; minus strand), SPRYD4 (SPRY domain containing 4; plus strand). Cytogenetic location: 12q13.3.
Variant type: single nucleotide variant.
Coding change: c.929+3A>G on transcript NM_013267.4 (MANE Select); 3 bases into the intron after coding-DNA position 929, A replaced by G.
Molecular consequence: intron variant. On other transcripts: 3 prime UTR variant (1).
Genome position (GRCh38, 1-based): chr12:56,475,621, T>C on the plus strand (A>G on the coding strand, the complement: GLS2 is on the minus strand). VCF-style: chr12-56475621-T-C. GRCh37 (hg19) VCF-style: chr12-56869405-T-C.
Other names: c.*6044T>C (NM_207344.4); c.134+3A>G (NM_001280798.2, NM_001280797.2); c.28+3A>G (NM_001280796.2).
Identifiers: ClinVar variation 681506 (VCV000681506.1), dbSNP rs1592275599, ClinGen allele CA915948411.
Genomic context (GRCh38, chr12:56,475,621, plus strand): 5'-CCATCCTAAGTACACACACATACACCACAATGCTTTCAGTCAGTCCTCTGAGTAGGGACT[T>C]ACGTGGCATTGCTGAAACCCATGTATTCATTCCCAGCCATTTTGTTGAGATACTGCAACA-3'

ClinVar aggregate classification (germline): Likely benign (1 of 4 stars; one submission).

Submission:

GeneDx
Classification: Likely benign. Last evaluated: 2018-04-10. Review status: criteria provided, single submitter. Criteria: GeneDx Variant Classification (06012015). Collection method: clinical testing. Allele origin: germline. Affected: yes.
Comment: This variant is considered likely benign or benign based on one or more of the following criteria: it is a conservative change, it occurs at a poorly conserved position in the protein, it is predicted to be benign by multiple in silico algorithms, and/or has population frequency not consistent with disease.